The following is an entry in ClinVar:

ClinVar aggregate classification (germline): Uncertain significance (1 of 4 stars; one submission).

Submission:

Labcorp Genetics (formerly Invitae), Labcorp
Classification: Uncertain significance. Last evaluated: 2023-08-29. Review status: criteria provided, single submitter. Criteria: Invitae Variant Classification Sherloc (09022015). Collection method: clinical testing. Allele origin: unknown.
Comment: In summary, the available evidence is currently insufficient to determine the role of this variant in disease. Therefore, it has been classified as a Variant of Uncertain Significance. Experimental studies and prediction algorithms are not available or were not evaluated, and the functional significance of this variant is currently unknown. This variant has not been reported in the literature in individuals affected with NPAT-related conditions. This variant is a gross deletion of the genomic region encompassing exon(s) 14-15 of the NPAT gene. This variant would be expected to be in-frame, preserving the integrity of the reading frame.

NC_000011.9:g.(?_108040451)_(108040790_?)del

Gene: NPAT (nuclear protein, coactivator of histone transcription; minus strand). Cytogenetic location: 11q22.3.
Variant type: Deletion.
Identifiers: ClinVar variation 3244746 (VCV003244746.1).